The following is an entry in ClinVar:

NM_001077350.3(NPRL3):c.1642C>T (p.Arg548Cys)

Gene: NPRL3 (NPR3 like, GATOR1 complex subunit; minus strand). Cytogenetic location: 16p13.3.
Variant type: single nucleotide variant.
Coding change: c.1642C>T on transcript NM_001077350.3 (MANE Select); coding-DNA position 1642, C replaced by T.
Protein change: p.Arg548Cys; replaces arginine 548 with cysteine.
Molecular consequence: missense variant.
Genome position (GRCh38, 1-based): chr16:86,773, G>A on the plus strand (C>T on the coding strand, the complement: NPRL3 is on the minus strand). VCF-style: chr16-86773-G-A. GRCh37 (hg19) VCF-style: chr16-136772-G-A.
Other names: c.1105C>T, p.Arg369Cys (NM_001039476.3); c.1408C>T, p.Arg470Cys (NM_001243247.2); c.1567C>T, p.Arg523Cys (NM_001243248.2, NM_001243249.2); c.1642C>T (NM_001077350.2); short protein forms R369C, R548C, R523C, R470C.
Identifiers: ClinVar variation 2864006 (VCV002864006.4), dbSNP rs193221958, ClinGen allele CA7769253.

ClinVar aggregate classification (germline): Uncertain significance. Review status: criteria provided, multiple submitters, no conflicts (2 of 4 stars). 2 submissions from 2 submitters: Uncertain significance (2). Last evaluated 2025-09-02.

Conditions:
Epilepsy, familial focal, with variable foci 3 (FFEVF3). Identifiers: MedGen C4310708, MONDO:0014925, OMIM 617118.

Allele frequency attached by ClinVar (database versions not stated): 1000 Genomes Project 30x 0.00016; gnomAD 0.00001; TOPMed 0.00002; ExAC 0.00008; 1000 Genomes Project 0.00020.
gnomAD v4.1: 24 of 1,602,518 alleles (0.0015%); highest among the groups gnomAD compares: East Asian, 0.027%; no homozygotes.

Submissions (2):

Labcorp Genetics (formerly Invitae), Labcorp
Classification: Uncertain significance for Epilepsy, familial focal, with variable foci 3. Last evaluated: 2025-09-02. Review status: criteria provided, single submitter. Criteria: Invitae Variant Classification Sherloc (09022015). Collection method: clinical testing. Allele origin: germline.
Comment: This sequence change replaces arginine, which is basic and polar, with cysteine, which is neutral and slightly polar, at codon 548 of the NPRL3 protein (p.Arg548Cys). The frequency data for this variant in the population databases is considered unreliable, as metrics indicate poor data quality at this position in the gnomAD database. This variant has not been reported in the literature in individuals affected with NPRL3-related conditions. ClinVar contains an entry for this variant (Variation ID: 2864006). Invitae Evidence Modeling of protein sequence and biophysical properties (such as structural, functional, and spatial information, amino acid conservation, physicochemical variation, residue mobility, and thermodynamic stability) indicates that this missense variant is expected to disrupt NPRL3 protein function with a positive predictive value of 80%. In summary, the available evidence is currently insufficient to determine the role of this variant in disease. Therefore, it has been classified as a Variant of Uncertain Significance.

GeneDx
Classification: Uncertain significance. Last evaluated: 2024-02-23. Review status: criteria provided, single submitter. Criteria: GeneDx Variant Classification Process June 2021. Collection method: clinical testing. Allele origin: germline. Affected: yes.
Comment: In silico analysis supports that this missense variant has a deleterious effect on protein structure/function; Has not been previously published as pathogenic or benign to our knowledge